The following is an entry in ClinVar:

NM_000360.4(TH):c.826T>G (p.Ser276Ala)

Gene: TH (tyrosine hydroxylase; minus strand). Cytogenetic location: 11p15.5.
Variant type: single nucleotide variant.
Coding change: c.826T>G on transcript NM_000360.4 (MANE Select); coding-DNA position 826, T replaced by G.
Protein change: p.Ser276Ala; replaces serine 276 with alanine.
Molecular consequence: missense variant.
Genome position (GRCh38, 1-based): chr11:2,166,902, A>C on the plus strand (T>G on the coding strand, the complement: TH is on the minus strand). VCF-style: chr11-2166902-A-C. GRCh37 (hg19) VCF-style: chr11-2188132-A-C.
Other names: c.907T>G, p.Ser303Ala (NM_199293.3); c.919T>G, p.Ser307Ala (NM_199292.3); short protein forms S276A, S303A, S307A.
Identifiers: ClinVar variation 3767306 (VCV003767306.2).
Genomic context (GRCh38, chr11:2,166,902, plus strand): 5'-CCATCCCCGGCCCCCCGGCTCTGCGCCCCTCCCGTCTGGGCACACCCTTCAGGAAGCGGG[A>C]GACGTCCTCCAGCTGGGGGATATTGTCTTCCCGGTAGCCGCTGAAGCGCTCCAGCAAAGC-3'
Protein context (NP_000351.2, residues 266-286): EDNIPQLEDV[Ser276Ala]RFLKERTGFQ

ClinVar aggregate classification (germline): Likely pathogenic (1 of 4 stars; one submission).

Conditions:
TH-deficient dopa-responsive dystonia. Also called: Tyrosine Hydroxylase-Deficient Dopa-Responsive Dystonia; Segawa syndrome, autosomal recessive; DYT-TH. Identifiers: Orphanet 101150, MedGen C2673535, MONDO:0011551, OMIM 605407.

gnomAD v4.1: 2 of 1,605,212 alleles (0.00012%); highest among the groups gnomAD compares: East Asian, 0.0022%; no homozygotes.

Submission:

Suma Genomics
Classification: Likely pathogenic for TH-deficient dopa-responsive dystonia. Review status: criteria provided, single submitter. Criteria: ACMG Guidelines, 2015. Collection method: clinical testing. Allele origin: germline. Inheritance: Autosomal recessive inheritance. Affected: yes. Observed: 1 homozygote.
Comment: A novel missense variant c.826T>G, p.(Ser276Ala) is observed in exon 7 of TH in the homozygous state. This variant is observed in two individuals in the gnomAD database in heterozygous state. The in-silico analysis tool REVEL consistently predicts that this variant is disease-causing. ACMG criteria PM1_Supporting:Non-truncating non-synonymous variant is located in a mutational hot spot and/or critical and well-established functional domain PM2_Supporting: Extremely low frequency in gnomAD population databases PM5_Moderate: Different amino acid change as a known pathogenic variant PP3 supporting: For a missense variant, computational prediction tools unanimously support a deleterious effect on the gene PP4: The patient's phenotype or family history is highly specific for a disease with a single genetic etiology